The following is an entry in ClinVar:

NM_002968.3(SALL1):c.3099_3105dup (p.Arg1036fs)

Gene: SALL1 (spalt like transcription factor 1; minus strand). Cytogenetic location: 16q12.1.
Variant type: Duplication.
Coding change: c.3099_3105dup on transcript NM_002968.3 (MANE Select); coding-DNA positions 3099 to 3105, 7 bases duplicated (TTGCAAT; older notation c.3099_3105dupTTGCAAT).
Protein change: p.Arg1036fs; shifts the reading frame from arginine 1036.
Molecular consequence: frameshift variant.
Genome position (GRCh38, 1-based): chr16:51,139,117-51,139,123, ATTGCAA duplicated on the plus strand (TTGCAAT on the coding strand, the reverse complement: SALL1 is on the minus strand); duplicating any 7 consecutive bases within chr16:51,139,117-51,139,124 gives the same sequence; the c. name uses the placement nearest the transcript's 3' end. VCF-style (leftmost placement, unchanged base first): chr16-51139116-G-GATTGCAA. GRCh37 (hg19) VCF-style: chr16-51173027-G-GATTGCAA.
Other names: c.3099_3105dupTTGCAAT (NM_002968.2); c.2808_2814dup, p.Arg939fs (NM_001127892.2); short protein forms R1036fs, R939fs.
Identifiers: ClinVar variation 280886 (VCV000280886.2), dbSNP rs886042011, ClinGen allele CA10603534.

ClinVar aggregate classification (germline): Pathogenic (1 of 4 stars; one submission).

Submission:

GeneDx
Classification: Pathogenic. Last evaluated: 2016-09-22. Review status: criteria provided, single submitter. Criteria: GeneDx Variant Classification (06012015). Collection method: clinical testing. Allele origin: germline. Affected: yes.
Comment: The c.3099_3105dupTTGCAAT pathogenic variant in the SALL1 gene causes a frameshift starting with codon Arginine 1036, changes this amino acid to a Leucine residue and creates a premature Stop codon at position 10 of the new reading frame, denoted p.Arg1036LeufsX10. This pathogenic variant is predicted to cause loss of normal protein function either through protein truncation or nonsense-mediated mRNA decay. Additionally, the c.3099_3105dupTTGCAAT variant was not observed in approximately 6,500 individuals of European and African American ancestry in the NHLBI Exome Sequencing Project. This pathogenic variant has not been previously reported to our knowledge.